The following is an entry in ClinVar:

ClinVar aggregate classification (germline): Uncertain significance. Review status: criteria provided, multiple submitters, no conflicts (2 of 4 stars). 2 submissions from 2 submitters: Uncertain significance (2). Last evaluated 2025-10-30.

Conditions:
Hereditary nonpolyposis colorectal neoplasms. Identifiers: MedGen C0009405, MeSH D003123.
Hereditary cancer-predisposing syndrome. Also called: Neoplastic Syndromes, Hereditary; Tumor predisposition; Hereditary Cancer Syndrome; Hereditary neoplastic syndrome. Identifiers: Orphanet 140162, MedGen C0027672, MeSH D009386, MONDO:0015356.

Submissions (2):

Ambry Genetics
Classification: Uncertain significance for Hereditary cancer-predisposing syndrome. Last evaluated: 2025-10-30. Review status: criteria provided, single submitter. Criteria: Ambry Variant Classification Scheme 2023. Collection method: clinical testing. Allele origin: germline.
Comment: The p.Q177R variant (also known as c.530A>G), located in coding exon 3 of the MSH6 gene, results from an A to G substitution at nucleotide position 530. The glutamine at codon 177 is replaced by arginine, an amino acid with highly similar properties. This amino acid position is conserved. In addition, this alteration is predicted to be tolerated by in silico analysis. Based on the available evidence, the clinical significance of this variant remains unclear.

Labcorp Genetics (formerly Invitae), Labcorp
Classification: Uncertain significance for Hereditary nonpolyposis colorectal neoplasms. Last evaluated: 2025-09-10. Review status: criteria provided, single submitter. Criteria: Invitae Variant Classification Sherloc (09022015). Collection method: clinical testing. Allele origin: germline.
Comment: This sequence change replaces glutamine, which is neutral and polar, with arginine, which is basic and polar, at codon 177 of the MSH6 protein (p.Gln177Arg). This variant is not present in population databases (gnomAD no frequency). This variant has not been reported in the literature in individuals affected with MSH6-related conditions. Invitae Evidence Modeling of protein sequence and biophysical properties (such as structural, functional, and spatial information, amino acid conservation, physicochemical variation, residue mobility, and thermodynamic stability) indicates that this missense variant is not expected to disrupt MSH6 protein function with a negative predictive value of 95%. In summary, the available evidence is currently insufficient to determine the role of this variant in disease. Therefore, it has been classified as a Variant of Uncertain Significance.

NM_000179.3(MSH6):c.530A>G (p.Gln177Arg)

Gene: MSH6 (mutS homolog 6; plus strand). Cytogenetic location: 2p16.3.
Variant type: single nucleotide variant.
Coding change: c.530A>G on transcript NM_000179.3 (MANE Select); coding-DNA position 530, A replaced by G.
Protein change: p.Gln177Arg; replaces glutamine 177 with arginine.
Molecular consequence: missense variant. On other transcripts: intron variant (8), 5 prime UTR variant (2), non-coding transcript variant (5).
Genome position (GRCh38, 1-based): chr2:47,795,966, A>G. VCF-style: chr2-47795966-A-G. GRCh37 (hg19) VCF-style: chr2-48023105-A-G.
Other names: c.-279-2645A>G (NM_001406815.1, NM_001406829.1, NM_001406823.1 and 4 more transcripts); c.-373A>G (NM_001281494.2); c.626A>G, p.Gln209Arg (NM_001406795.1, NM_001406802.1); c.530A>G, p.Gln177Arg (NM_001406796.1, NM_001406798.1, NM_001406800.1 and 5 more transcripts); c.233A>G, p.Gln78Arg (NM_001406797.1, NM_001406801.1, NM_001406805.1 and 10 more transcripts); c.5A>G, p.Gln2Arg (NM_001406799.1, NM_001406806.1, NM_001406807.1); c.452A>G, p.Gln151Arg (NM_001406804.1); c.536A>G, p.Gln179Arg (NM_001406813.1); and 3 more; short protein forms Q121R, Q78R, Q151R, Q177R, Q209R, Q179R, Q2R.
Identifiers: ClinVar variation 4657930 (VCV004657930.2).
Genomic context (GRCh38, chr2:47,795,966, plus strand): 5'-AGGAAGCCCAGAAGGGAGGTCATTTTTACAGTGCAAAGCCTGAAATACTGAGAGCAATGC[A>G]ACGTGCAGATGAAGCCTTAAATAAAGACAAGATTAAGAGGCTTGAATTGGCAGTTTGTGA-3'
Protein context (NP_000170.1, residues 167-187): SAKPEILRAM[Gln177Arg]RADEALNKDK